The following is an entry in ClinVar:

NM_003661.4(APOL1):c.778G>A (p.Glu260Lys)

Gene: APOL1 (apolipoprotein L1; plus strand). Cytogenetic location: 22q12.3.
Variant type: single nucleotide variant.
Coding change: c.778G>A on transcript NM_003661.4 (MANE Select); coding-DNA position 778, G replaced by A.
Protein change: p.Glu260Lys; replaces glutamic acid 260 with lysine.
Molecular consequence: missense variant.
Genome position (GRCh38, 1-based): chr22:36,265,614, G>A. VCF-style: chr22-36265614-G-A. GRCh37 (hg19) VCF-style: chr22-36661660-G-A.
Other names: c.778G>A, p.Glu260Lys (NM_001136540.2); c.724G>A, p.Glu242Lys (NM_001136541.2, NM_001362927.2); c.826G>A, p.Glu276Lys (NM_145343.3); short protein forms E276K, E242K, E260K.
Identifiers: ClinVar variation 4749080 (VCV004749080.1).
Genomic context (GRCh38, chr22:36,265,614, plus strand): 5'-GCCCACGACCTGGTCATCAAAAGCCTTGACAAATTGAAGGAGGTGAGGGAGTTTTTGGGT[G>A]AGAACATATCCAACTTTCTTTCCTTAGCTGGCAATACTTACCAACTCACACGAGGCATTG-3'
Protein context (NP_003652.2, residues 250-270): KLKEVREFLG[Glu260Lys]NISNFLSLAG

ClinVar aggregate classification (germline): Uncertain significance (1 of 4 stars; one submission).

gnomAD v4.1: 8 of 1,596,944 alleles (0.0005%); highest among the groups gnomAD compares: African/African-American, 0.0054%; no homozygotes.

Submission:

Labcorp Genetics (formerly Invitae), Labcorp
Classification: Uncertain significance. Last evaluated: 2025-12-08. Review status: criteria provided, single submitter. Criteria: Invitae Variant Classification Sherloc (09022015). Collection method: clinical testing. Allele origin: germline.
Comment: This sequence change replaces glutamic acid, which is acidic and polar, with lysine, which is basic and polar, at codon 260 of the APOL1 protein (p.Glu260Lys). This variant is present in population databases (rs150472632, gnomAD 0.01%). This variant has not been reported in the literature in individuals affected with APOL1-related conditions. An algorithm developed to predict the effect of missense changes on protein structure and function outputs the following: PolyPhen-2: "Benign". The lysine amino acid residue is found in multiple mammalian species, which suggests that this missense change does not adversely affect protein function. Algorithms developed to predict the effect of sequence changes on RNA splicing suggest that this variant may create or strengthen a splice site. In summary, the available evidence is currently insufficient to determine the role of this variant in disease. Therefore, it has been classified as a Variant of Uncertain Significance.